The following is an entry in ClinVar:

NM_001018116.2(CAVIN4):c.84C>T (p.Asp28=)

Gene: CAVIN4 (caveolae associated protein 4; plus strand). Cytogenetic location: 9q31.1.
Variant type: single nucleotide variant.
Coding change: c.84C>T on transcript NM_001018116.2 (MANE Select); coding-DNA position 84, C replaced by T.
Protein change: p.Asp28=; no amino-acid change (aspartic acid 28 retained).
Molecular consequence: synonymous variant.
Genome position (GRCh38, 1-based): chr9:100,578,227, C>T. VCF-style: chr9-100578227-C-T. GRCh37 (hg19) VCF-style: chr9-103340509-C-T.
Identifiers: ClinVar variation 505007 (VCV000505007.6), dbSNP rs745781742, ClinGen allele CA5159982.
Genomic context (GRCh38, chr9:100,578,227, plus strand): 5'-AAATGCTGATAAAATCCACCAGAATCGCCTGTCGAGTGTTACAGAAGATGAAGACCAAGA[C>T]GCTGCTCTTACCATTGTGACTGTGCTGGACAAAGTAGCCTCCATCGTGGACAGTGTGCAG-3'
Protein context (NP_001018126.1, residues 18-38): LSSVTEDEDQ[Asp28=]AALTIVTVLD

ClinVar aggregate classification (germline): Likely benign. Review status: criteria provided, multiple submitters, no conflicts (2 of 4 stars). 2 submissions from 2 submitters: Likely benign (2). Last evaluated 2019-09-11.

Allele frequency attached by ClinVar (database versions not stated): gnomAD exomes 0.00001 and 0.00003; ExAC 0.00002; gnomAD 0.00003 and 0.00004; TOPMed 0.00003.
gnomAD v4.1: 25 of 1,613,784 alleles (0.0015%); highest among the groups gnomAD compares: East Asian, 0.018%; no homozygotes.

Submissions (2):

GeneDx
Classification: Likely benign. Last evaluated: 2019-09-11. Review status: criteria provided, single submitter. Criteria: GeneDx Variant Classification Process June 2021. Collection method: clinical testing. Allele origin: germline. Affected: yes.

Laboratory for Molecular Medicine, Mass General Brigham Personalized Medicine
Classification: Likely benign. Last evaluated: 2016-05-18. Review status: criteria provided, single submitter. Criteria: LMM Criteria. Collection method: clinical testing. Allele origin: germline. Observed: 1 variant allele.
Comment: p.Asp28Asp in exon 1 of MURC: This variant is not expected to have clinical sign ificance because it does not alter an amino acid residue and is not located with in the splice consensus sequence. It has been identified in 2/8644 East Asian ch romosomes by the Exome Aggregation Consortium (ExAC. org; dbSNP rs745781742).